The following is an entry in ClinVar:

NM_138704.4(NSMCE3):c.232G>C (p.Gly78Arg)

Genes: ENTREP2 (endosomal transmembrane epsin interactor 2; minus strand), NSMCE3 (NSE3 component of SMC5/6 complex; minus strand). Cytogenetic location: 15q13.1.
Variant type: single nucleotide variant.
Coding change: c.232G>C on transcript NM_138704.4 (MANE Select); coding-DNA position 232, G replaced by C.
Protein change: p.Gly78Arg; replaces glycine 78 with arginine.
Molecular consequence: missense variant. On other transcripts: intron variant (5).
Genome position (GRCh38, 1-based): chr15:29,269,474, C>G on the plus strand (G>C on the coding strand, the complement: NSMCE3 is on the minus strand). VCF-style: chr15-29269474-C-G. GRCh37 (hg19) VCF-style: chr15-29561678-C-G.
Other names: c.-12-16996G>C (NM_001387217.1, NM_001387215.1, NM_001387216.1); c.277-16996G>C (NM_001387214.1, NM_015307.2); short protein forms G78R.
Identifiers: ClinVar variation 1423147 (VCV001423147.4), dbSNP rs141427820, ClinGen allele CA7446187.

ClinVar aggregate classification (germline): Uncertain significance. Review status: criteria provided, multiple submitters, no conflicts (2 of 4 stars). 2 submissions from 2 submitters: Uncertain significance (2). Last evaluated 2024-11-21.

Allele frequency attached by ClinVar (database versions not stated): 1000 Genomes Project 0.00040; 1000 Genomes Project 30x 0.00047; gnomAD exomes 0.00057 and 0.00125; TOPMed 0.00057; ExAC 0.00060; ESP Exome Variant Server 0.00069; gnomAD 0.00072.
gnomAD v4.1: 1,954 of 1,612,192 alleles (0.12%); highest among the groups gnomAD compares: Non-Finnish European, 0.16%; 1 homozygote.

Submissions (2):

Blueprint Genetics
Classification: Uncertain significance. Last evaluated: 2024-11-21. Review status: criteria provided, single submitter. Criteria: ACMG Guidelines, 2015. Collection method: clinical testing. Allele origin: germline.

Labcorp Genetics (formerly Invitae), Labcorp
Classification: Uncertain significance. Last evaluated: 2022-10-25. Review status: criteria provided, single submitter. Criteria: Invitae Variant Classification Sherloc (09022015). Collection method: clinical testing. Allele origin: germline.
Comment: This sequence change replaces glycine, which is neutral and non-polar, with arginine, which is basic and polar, at codon 78 of the NSMCE3 protein (p.Gly78Arg). This variant is present in population databases (rs141427820, gnomAD 0.1%), and has an allele count higher than expected for a pathogenic variant. This variant has not been reported in the literature in individuals affected with NSMCE3-related conditions. ClinVar contains an entry for this variant (Variation ID: 1423147). Advanced modeling of protein sequence and biophysical properties (such as structural, functional, and spatial information, amino acid conservation, physicochemical variation, residue mobility, and thermodynamic stability) performed at Invitae indicates that this missense variant is not expected to disrupt NSMCE3 protein function. In summary, the available evidence is currently insufficient to determine the role of this variant in disease. Therefore, it has been classified as a Variant of Uncertain Significance.